The following is an entry in ClinVar:

NM_032447.5(FBN3):c.2956+4C>T

Gene: FBN3 (fibrillin 3; minus strand). Cytogenetic location: 19p13.2.
Variant type: single nucleotide variant.
Coding change: c.2956+4C>T on transcript NM_032447.5 (MANE Select); 4 bases into the intron after coding-DNA position 2956, C replaced by T.
Molecular consequence: intron variant.
Genome position (GRCh38, 1-based): chr19:8,123,780, G>A on the plus strand (C>T on the coding strand, the complement: FBN3 is on the minus strand). VCF-style: chr19-8123780-G-A. GRCh37 (hg19) VCF-style: chr19-8188664-G-A.
Other names: c.2956+4C>T (NM_001321431.2).
Identifiers: ClinVar variation 2170153 (VCV002170153.4), dbSNP rs369852908, ClinGen allele CA9152662.

ClinVar aggregate classification (germline): Uncertain significance (1 of 4 stars; one submission).

Allele frequency attached by ClinVar (database versions not stated): gnomAD 0.00004; TOPMed 0.00005.
gnomAD v4.1: 39 of 1,612,664 alleles (0.0024%); highest among the groups gnomAD compares: Admixed American, 0.033%; no homozygotes.

Submission:

Labcorp Genetics (formerly Invitae), Labcorp
Classification: Uncertain significance. Last evaluated: 2024-05-25. Review status: criteria provided, single submitter. Criteria: Invitae Variant Classification Sherloc (09022015). Collection method: clinical testing. Allele origin: germline.
Comment: This sequence change falls in intron 23 of the FBN3 gene. It does not directly change the encoded amino acid sequence of the FBN3 protein. It affects a nucleotide within the consensus splice site. This variant is present in population databases (rs369852908, gnomAD 0.05%). This variant has not been reported in the literature in individuals affected with FBN3-related conditions. ClinVar contains an entry for this variant (Variation ID: 2170153). Variants that disrupt the consensus splice site are a relatively common cause of aberrant splicing (PMID: 17576681, 9536098). Algorithms developed to predict the effect of sequence changes on RNA splicing suggest that this variant is not likely to affect RNA splicing. In summary, the available evidence is currently insufficient to determine the role of this variant in disease. Therefore, it has been classified as a Variant of Uncertain Significance.

Literature cited by the submitters: PubMed 17576681; PubMed 9536098.